The following is an entry in ClinVar:

ClinVar aggregate classification (germline): Uncertain significance (1 of 4 stars; one submission).

Conditions:
Hereditary cancer-predisposing syndrome. Also called: Hereditary Cancer Syndrome; Hereditary neoplastic syndrome; Neoplastic Syndromes, Hereditary; Tumor predisposition. Identifiers: Orphanet 140162, MedGen C0027672, MeSH D009386, MONDO:0015356.

Allele frequency attached by ClinVar (database versions not stated): TOPMed below 0.00001; gnomAD 0.00001.
gnomAD v4.1: 1 of 1,614,076 alleles (0.000062%); highest among the groups gnomAD compares: Non-Finnish European, 0.000085%; no homozygotes.

Submission:

Ambry Genetics
Classification: Uncertain significance for Hereditary cancer-predisposing syndrome. Last evaluated: 2023-10-04. Review status: criteria provided, single submitter. Criteria: Ambry Variant Classification Scheme 2023. Collection method: clinical testing. Allele origin: germline.
Comment: The p.V470I variant (also known as c.1408G>A), located in coding exon 13 of the FANCC gene, results from a G to A substitution at nucleotide position 1408. The valine at codon 470 is replaced by isoleucine, an amino acid with highly similar properties. This amino acid position is poorly conserved in available vertebrate species. In addition, this alteration is predicted to be tolerated by in silico analysis. Since supporting evidence is limited at this time, the clinical significance of this alteration remains unclear.

NM_000136.3(FANCC):c.1408G>A (p.Val470Ile)

Genes: AOPEP (aminopeptidase O (putative); plus strand), FANCC (FA complementation group C; minus strand). Cytogenetic location: 9q22.32.
Variant type: single nucleotide variant.
Coding change: c.1408G>A on transcript NM_000136.3 (MANE Select); coding-DNA position 1408, G replaced by A.
Protein change: p.Val470Ile; replaces valine 470 with isoleucine.
Molecular consequence: missense variant.
Genome position (GRCh38, 1-based): chr9:95,107,191, C>T on the plus strand (G>A on the coding strand, the complement: FANCC is on the minus strand). VCF-style: chr9-95107191-C-T. GRCh37 (hg19) VCF-style: chr9-97869473-C-T.
Other names: c.1408G>A, p.Val470Ile (NM_001243743.2); short protein forms V470I.
Identifiers: ClinVar variation 1771958 (VCV001771958.2), dbSNP rs1410714236, ClinGen allele CA374106074.
Genomic context (GRCh38, chr9:95,107,191, plus strand): 5'-GGTGCCTGATCAGCTGTTGTGCAGGAGCTCTGAGGTCTGTGTCTGTGCCCTGTCCTGCTA[C>T]CGTCTGCAGGTCCTGGGCTGAGAGGCTGCTGCTTCTGGACATTGCCAGGAGGTGGCCCAG-3'
Protein context (NP_000127.2, residues 460-480): SSLSAQDLQT[Val470Ile]AGQGTDTDLR